The following is an entry in ClinVar:

NM_020693.4(DSCAML1):c.4033A>G (p.Asn1345Asp)

Gene: DSCAML1 (DS cell adhesion molecule like 1; minus strand). Cytogenetic location: 11q23.3.
Variant type: single nucleotide variant.
Coding change: c.4033A>G on transcript NM_020693.4 (MANE Select); coding-DNA position 4033, A replaced by G.
Protein change: p.Asn1345Asp; replaces asparagine 1345 with aspartic acid.
Molecular consequence: missense variant.
Genome position (GRCh38, 1-based): chr11:117,439,377, T>C on the plus strand (A>G on the coding strand, the complement: DSCAML1 is on the minus strand). VCF-style: chr11-117439377-T-C. GRCh37 (hg19) VCF-style: chr11-117310093-T-C.
Other names: short protein forms N1345D.
Identifiers: ClinVar variation 1420768 (VCV001420768.6), dbSNP rs913542485, ClinGen allele CA229403890.

ClinVar aggregate classification (germline): Uncertain significance (1 of 4 stars; one submission).

Allele frequency attached by ClinVar (database versions not stated): gnomAD exomes below 0.00001 and 0.00001; TOPMed 0.00001.
gnomAD v4.1: 5 of 1,613,750 alleles (0.00031%); highest among the groups gnomAD compares: Admixed American, 0.0067%; no homozygotes.

Submission:

Labcorp Genetics (formerly Invitae), Labcorp
Classification: Uncertain significance. Last evaluated: 2023-10-03. Review status: criteria provided, single submitter. Criteria: Invitae Variant Classification Sherloc (09022015). Collection method: clinical testing. Allele origin: germline.
Comment: This sequence change replaces asparagine, which is neutral and polar, with aspartic acid, which is acidic and polar, at codon 1405 of the DSCAML1 protein (p.Asn1405Asp). This variant is present in population databases (no rsID available, gnomAD 0.009%). This variant has not been reported in the literature in individuals affected with DSCAML1-related conditions. ClinVar contains an entry for this variant (Variation ID: 1420768). An algorithm developed to predict the effect of missense changes on protein structure and function (PolyPhen-2) suggests that this variant is likely to be disruptive. In summary, the available evidence is currently insufficient to determine the role of this variant in disease. Therefore, it has been classified as a Variant of Uncertain Significance.